The following is an entry in ClinVar:

NM_057176.3(BSND):c.22C>G (p.Arg8Gly)

Gene: BSND (barttin CLCNK type accessory subunit beta; plus strand). Cytogenetic location: 1p32.3.
Variant type: single nucleotide variant.
Coding change: c.22C>G on transcript NM_057176.3 (MANE Select); coding-DNA position 22, C replaced by G.
Protein change: p.Arg8Gly; replaces arginine 8 with glycine.
Molecular consequence: missense variant.
Genome position (GRCh38, 1-based): chr1:54,999,208, C>G. VCF-style: chr1-54999208-C-G. GRCh37 (hg19) VCF-style: chr1-55464881-C-G.
Other names: short protein forms R8G.
Identifiers: ClinVar variation 2910107 (VCV002910107.3), dbSNP rs74315285, ClinGen allele CA340470501.

ClinVar aggregate classification (germline): Pathogenic (1 of 4 stars; one submission).

Submission:

Labcorp Genetics (formerly Invitae), Labcorp
Classification: Pathogenic. Last evaluated: 2022-11-10. Review status: criteria provided, single submitter. Criteria: Invitae Variant Classification Sherloc (09022015). Collection method: clinical testing. Allele origin: germline.
Comment: For these reasons, this variant has been classified as Pathogenic. This variant disrupts the p.Arg8 amino acid residue in BSND. Other variant(s) that disrupt this residue have been determined to be pathogenic (PMID: 11687798, 29254190, 30174009). This suggests that this residue is clinically significant, and that variants that disrupt this residue are likely to be disease-causing. Advanced modeling of protein sequence and biophysical properties (such as structural, functional, and spatial information, amino acid conservation, physicochemical variation, residue mobility, and thermodynamic stability) performed at Invitae indicates that this missense variant is expected to disrupt BSND protein function. This missense change has been observed in individual(s) with Bartter syndrome (PMID: 30174009). It has also been observed to segregate with disease in related individuals. This variant is not present in population databases (gnomAD no frequency). This sequence change replaces arginine, which is basic and polar, with glycine, which is neutral and non-polar, at codon 8 of the BSND protein (p.Arg8Gly).

Literature cited by the submitters: PubMed 11687798; PubMed 29254190; PubMed 30174009.